The following is an entry in ClinVar:

NM_004453.4(ETFDH):c.1210A>C (p.Met404Leu)

Gene: ETFDH (electron transfer flavoprotein dehydrogenase; plus strand). Cytogenetic location: 4q32.1.
Variant type: single nucleotide variant.
Coding change: c.1210A>C on transcript NM_004453.4 (MANE Select); coding-DNA position 1210, A replaced by C.
Protein change: p.Met404Leu; replaces methionine 404 with leucine.
Molecular consequence: missense variant.
Genome position (GRCh38, 1-based): chr4:158,703,516, A>C. VCF-style: chr4-158703516-A-C. GRCh37 (hg19) VCF-style: chr4-159624668-A-C.
Other names: c.1069A>C, p.Met357Leu (NM_001281737.2); c.1027A>C, p.Met343Leu (NM_001281738.1); short protein forms M357L, M404L, M343L.
Identifiers: ClinVar variation 2121312 (VCV002121312.4), dbSNP rs2476721217, ClinGen allele CA358562959.
Genomic context (GRCh38, chr4:158,703,516, plus strand): 5'-CTAATTGGTTGTAGTCCTGGTTTTATGAATGTTCCCAAGATCAAAGGTACTCACACAGCA[A>C]TGAAAAGTGGAATTTTAGCAGCAGAATCTATTTTTAATCAACTAACTAGTGAAAATCTCC-3'
Protein context (NP_004444.2, residues 394-414): VPKIKGTHTA[Met404Leu]KSGILAAESI

ClinVar aggregate classification (germline): Likely pathogenic (1 of 4 stars; one submission).

Conditions:
Multiple acyl-CoA dehydrogenase deficiency (MADD). Also called: Glutaric aciduria, type 2; ETHYLMALONIC-ADIPICACIDURIA; GA II; Glutaric acidemia type II; GA 2; Glutaric Acidemia type 2. Identifiers: Orphanet 26791, MedGen C0268596, MONDO:0009282, OMIM 231680.

Submission:

Labcorp Genetics (formerly Invitae), Labcorp
Classification: Likely pathogenic for Multiple acyl-CoA dehydrogenase deficiency. Last evaluated: 2022-04-18. Review status: criteria provided, single submitter. Criteria: Invitae Variant Classification Sherloc (09022015). Collection method: clinical testing. Allele origin: germline.
Comment: In summary, the currently available evidence indicates that the variant is pathogenic, but additional data are needed to prove that conclusively. Therefore, this variant has been classified as Likely Pathogenic. This variant disrupts the p.Met404 amino acid residue in ETFDH. Other variant(s) that disrupt this residue have been determined to be pathogenic (PMID: 22041377, 24522293, 25827849, 29336361). This suggests that this residue is clinically significant, and that variants that disrupt this residue are likely to be disease-causing. Advanced modeling of protein sequence and biophysical properties (such as structural, functional, and spatial information, amino acid conservation, physicochemical variation, residue mobility, and thermodynamic stability) performed at Invitae indicates that this missense variant is expected to disrupt ETFDH protein function. This variant has not been reported in the literature in individuals affected with ETFDH-related conditions. This variant is not present in population databases (gnomAD no frequency). This sequence change replaces methionine, which is neutral and non-polar, with leucine, which is neutral and non-polar, at codon 404 of the ETFDH protein (p.Met404Leu).

Literature cited by the submitters: PubMed 22041377; PubMed 24522293; PubMed 25827849; PubMed 29336361.